The following is an entry in ClinVar:

NM_001558.4(IL10RA):c.1166A>T (p.Gln389Leu)

Gene: IL10RA (interleukin 10 receptor subunit alpha; plus strand). Cytogenetic location: 11q23.3.
Variant type: single nucleotide variant.
Coding change: c.1166A>T on transcript NM_001558.4 (MANE Select); coding-DNA position 1166, A replaced by T.
Protein change: p.Gln389Leu; replaces glutamine 389 with leucine.
Molecular consequence: missense variant. On other transcripts: non-coding transcript variant (1).
Genome position (GRCh38, 1-based): chr11:117,999,070, A>T. VCF-style: chr11-117999070-A-T. GRCh37 (hg19) VCF-style: chr11-117869785-A-T.
Other names: short protein forms Q389L.
Identifiers: ClinVar variation 1480742 (VCV001480742.8), dbSNP rs772645232, ClinGen allele CA6299131.

ClinVar aggregate classification (germline): Uncertain significance (1 of 4 stars; one submission).

Conditions:
Inflammatory bowel disease 28. Also called: Inflammatory bowel disease 28, early onset, autosomal recessive. Identifiers: Orphanet 238569, MedGen C2751053, MONDO:0013153, OMIM 613148.

Allele frequency attached by ClinVar (database versions not stated): gnomAD exomes below 0.00001 and 0.00001; gnomAD 0.00001; ExAC 0.00002.
gnomAD v4.1: 5 of 1,611,506 alleles (0.00031%); highest among the groups gnomAD compares: Non-Finnish European, 0.00042%; no homozygotes.

Submission:

Labcorp Genetics (formerly Invitae), Labcorp
Classification: Uncertain significance for Inflammatory bowel disease 28. Last evaluated: 2024-04-25. Review status: criteria provided, single submitter. Criteria: Invitae Variant Classification Sherloc (09022015). Collection method: clinical testing. Allele origin: germline.
Comment: This sequence change replaces glutamine, which is neutral and polar, with leucine, which is neutral and non-polar, at codon 389 of the IL10RA protein (p.Gln389Leu). This variant is present in population databases (rs772645232, gnomAD 0.003%). This variant has not been reported in the literature in individuals affected with IL10RA-related conditions. ClinVar contains an entry for this variant (Variation ID: 1480742). Advanced modeling of protein sequence and biophysical properties (such as structural, functional, and spatial information, amino acid conservation, physicochemical variation, residue mobility, and thermodynamic stability) performed at Invitae indicates that this missense variant is not expected to disrupt IL10RA protein function with a negative predictive value of 80%. In summary, the available evidence is currently insufficient to determine the role of this variant in disease. Therefore, it has been classified as a Variant of Uncertain Significance.